The following is an entry in ClinVar:

NM_000169.3(GLA):c.1000-14dup

Genes: GLA (galactosidase alpha; minus strand), RPL36A-HNRNPH2 (RPL36A-HNRNPH2 readthrough; plus strand). Cytogenetic location: Xq22.1.
Variant type: Duplication.
Coding change: c.1000-14dup on transcript NM_000169.3 (MANE Select); 14 bases into the intron before coding-DNA position 1000, one base duplicated (T; older notation c.1000-14dupT).
Molecular consequence: intron variant.
Genome position (GRCh38, 1-based): chrX:101,398,113, A duplicated on the plus strand (T on the coding strand, the reverse complement: GLA is on the minus strand); the first of 3 consecutive A bases (chrX:101,398,113-101,398,115); duplicating any one gives the same sequence. VCF-style (leftmost placement, unchanged base first): chrX-101398112-G-GA. GRCh37 (hg19) VCF-style: chrX-100653100-G-GA.
Other names: c.300+2658dup (NM_001199973.2); c.177+6293dup (NM_001199974.2); c.1123-14dup (NM_001406747.1); c.1000-14dupT (NM_000169.3).
Identifiers: ClinVar variation 2573377 (VCV002573377.6), dbSNP rs782561648, ClinGen allele CA10473415.

ClinVar aggregate classification (germline): Conflicting classifications of pathogenicity. Review status: criteria provided, conflicting classifications (1 of 4 stars). 3 submissions from 3 submitters: Uncertain significance (1); Likely benign (2). Last evaluated 2024-12-20.

Conditions:
Fabry disease. Also called: Fabry's disease; ALPHA-GALACTOSIDASE A DEFICIENCY; ANDERSON-FABRY DISEASE; CERAMIDE TRIHEXOSIDASE DEFICIENCY; GLA DEFICIENCY; HEREDITARY DYSTOPIC LIPIDOSIS. Identifiers: Orphanet 324, MedGen C0002986, MONDO:0010526, OMIM 301500, HP:0001071. Disease mechanism: Fabry disease is due to inactivating mutations in the X-linked GLA gene resulting in deficiency of the enzyme Alpha Galactosidase-A., loss of function.

Submissions (3):

Women's Health and Genetics/Laboratory Corporation of America, LabCorp
Classification: Likely benign. Last evaluated: 2024-12-20. Review status: criteria provided, single submitter. Criteria: LabCorp Variant Classification Summary - May 2015. Collection method: clinical testing. Allele origin: germline.
Comment: Variant summary: GLA c.1000-14dupT alters a non-conserved nucleotide located at a position not widely known to affect splicing. Consensus agreement among computation tools predict no significant impact on normal splicing. However, these predictions have yet to be confirmed by functional studies. The variant allele was found at a frequency of 5.5e-06 in 182080 control chromosomes. The available data on variant occurrences in the general population are insufficient to allow any conclusion about variant significance. To our knowledge, no occurrence of c.1000-14dupT in individuals affected with Fabry Disease and no experimental evidence demonstrating its impact on protein function have been reported. ClinVar contains an entry for this variant (Variation ID: 2573377). Based on the evidence outlined above, the variant was classified as likely benign.

Labcorp Genetics (formerly Invitae), Labcorp
Classification: Likely benign for Fabry disease. Last evaluated: 2023-11-10. Review status: criteria provided, single submitter. Criteria: Invitae Variant Classification Sherloc (09022015). Collection method: clinical testing. Allele origin: germline.

All of Us Research Program, National Institutes of Health
Classification: Uncertain significance for Fabry disease. Last evaluated: 2023-10-23. Review status: criteria provided, single submitter. Criteria: ACMG Guidelines, 2015. Collection method: clinical testing. Allele origin: germline. Inheritance: X-linked inheritance. Observed: 1 variant allele, 1 heterozygote.
Comment: This variant causes duplication in intron 6 of the GLA gene. To our knowledge, functional studies have not been reported for this variant. This variant has not been reported in individuals affected with GLA-related disorders in the literature. This variant has been identified in 1/182080 chromosomes in the general population by the Genome Aggregation Database (gnomAD). The available evidence is insufficient to determine the role of this variant in disease conclusively. Therefore, this variant is classified as a Variant of Uncertain Significance.

This study involves interpretation of variants in research participants for the purpose of population health screening. Participant phenotype was not available at the time of variant classification. Additional details can be found in publication PMID: 35346344, PMCID: PMC8962531